The following is an entry in ClinVar:

ClinVar aggregate classification (germline): Pathogenic (1 of 4 stars; one submission).

Conditions:
Joubert syndrome. Also called: CEREBELLOPARENCHYMAL DISORDER IV; JOUBERT-BOLTSHAUSER SYNDROME; Familial aplasia of the vermis. Identifiers: Orphanet 475, MedGen C5979921, MONDO:0018772.
Orofaciodigital syndrome I (OFD1). Also called: OFDS I; Papillon-Leage and Psaume Syndrome; Oral-Facial-Digital Syndrome Type I. Identifiers: Orphanet 2750, MedGen C1510460, MONDO:0010702, OMIM 311200.

Submission:

Labcorp Genetics (formerly Invitae), Labcorp
Classification: Pathogenic for Orofaciodigital syndrome I; Joubert syndrome. Last evaluated: 2017-07-19. Review status: criteria provided, single submitter. Criteria: Invitae Variant Classification Sherloc (09022015). Collection method: clinical testing. Allele origin: germline.
Comment: This sequence change creates a premature translational stop signal (p.Tyr187*) in the OFD1 gene. It is expected to result in an absent or disrupted protein product. This variant is not present in population databases (ExAC no frequency). This variant has not been reported in the literature in individuals with OFD1-related disease. Loss-of-function variants in OFD1 are known to be pathogenic (PMID: 16783569, 18546297, 27081566). For these reasons, this variant has been classified as Pathogenic.

Literature cited by the submitters: PubMed 16783569; PubMed 18546297; PubMed 27081566.

NM_003611.3(OFD1):c.560dup (p.Tyr187Ter)

Gene: OFD1 (OFD1 centriole and centriolar satellite protein; plus strand). Cytogenetic location: Xp22.2.
Variant type: Duplication.
Coding change: c.560dup on transcript NM_003611.3 (MANE Select); coding-DNA position 560, one base duplicated (A; older notation c.560dupA).
Protein change: p.Tyr187Ter; replaces tyrosine 187 with a stop codon.
Molecular consequence: nonsense.
Genome position (GRCh38, 1-based): chrX:13,746,361, A duplicated. VCF-style (leftmost placement, unchanged base first): chrX-13746360-T-TA. GRCh37 (hg19) VCF-style: chrX-13764479-T-TA.
Other names: c.560dup, p.Tyr187Ter (NM_001330209.2); c.140dup, p.Tyr47Ter (NM_001330210.2); c.560dupA (NM_003611.2); short protein forms Y47*, Y187*.
Identifiers: ClinVar variation 463457 (VCV000463457.7), dbSNP rs1555902640, ClinGen allele CA658658930.